The following is an entry in ClinVar:

ClinVar aggregate classification (germline): Likely pathogenic (1 of 4 stars; one submission).

Conditions:
Cardiomyopathy, familial hypertrophic 27. Identifiers: MedGen C4748014, MONDO:0054838, OMIM 618052.

Allele frequency attached by ClinVar (database versions not stated): gnomAD exomes below 0.00001.

Submission:

3billion
Classification: Likely pathogenic for Cardiomyopathy, familial hypertrophic 27. Last evaluated: 2022-03-22. Review status: criteria provided, single submitter. Criteria: ACMG Guidelines, 2015. Collection method: clinical testing. Allele origin: germline. Affected: yes. Observed: 1 heterozygote.
Comment: Frameshift: predicted to result in a loss or disruption of normal protein function through nonsense-mediated decay (NMD) or protein truncation. Multiple pathogenic variants are reported downstream of the variant. The variant is observed at an extremely low frequency in the gnomAD v2.1.1 dataset (total allele frequency: 0.0000040). Therefore, this variant is classified as likely pathogenic according to the recommendation of ACMG/AMP guideline.

NM_020778.5(ALPK3):c.4199del (p.Asp1400fs)

Gene: ALPK3 (alpha kinase 3; plus strand). Cytogenetic location: 15q25.3.
Variant type: Deletion.
Coding change: c.4199del on transcript NM_020778.5 (MANE Select); coding-DNA position 4199, one base deleted (A; older notation c.4199delA).
Protein change: p.Asp1400fs; shifts the reading frame from aspartic acid 1400.
Molecular consequence: frameshift variant.
Genome position (GRCh38, 1-based): chr15:84,862,704, A deleted. VCF-style (leftmost placement, unchanged base first): chr15-84862703-GA-G. GRCh37 (hg19) VCF-style: chr15-85405934-GA-G.
Other names: short protein forms D1400fs.
Identifiers: ClinVar variation 1526110 (VCV001526110.1), dbSNP rs1567095321, ClinGen allele CA619447243.